The following is an entry in ClinVar:

ClinVar aggregate classification (germline): Uncertain significance (1 of 4 stars; one submission).

Conditions:
Familial hypokalemia-hypomagnesemia (GTLMNS). Also called: HYPOMAGNESEMIA-HYPOKALEMIA, PRIMARY RENOTUBULAR, WITH HYPOCALCIURIA; POTASSIUM AND MAGNESIUM DEPLETION; gitelman syndrome. Identifiers: Orphanet 358, MedGen C0268450, MONDO:0009904, OMIM 263800.

Allele frequency attached by ClinVar (database versions not stated): gnomAD exomes below 0.00001.

Submission:

Illumina Laboratory Services, Illumina
Classification: Uncertain significance for Familial hypokalemia-hypomagnesemia. Last evaluated: 2017-04-27. Review status: criteria provided, single submitter. Criteria: ICSL Variant Classification Criteria 13 December 2019. Collection method: clinical testing. Allele origin: germline.
Comment: This variant was observed as part of a predisposition screen in an ostensibly healthy population. A literature search was performed for the gene, cDNA change, and amino acid change (where applicable). Publications were found based on this search. However, the evidence from the literature, in combination with allele frequency data from public databases where available, was not sufficient to rule this variant in or out of causing disease. Therefore, this variant is classified as a variant of unknown significance.

Literature cited by the submitters: PubMed 18391953.

NM_001126108.2(SLC12A3):c.2972T>C (p.Met991Thr)

Genes: SLC12A3 (solute carrier family 12 member 3; plus strand), LOC126862361 (CDK7 strongly-dependent group 2 enhancer GRCh37_chr16:56946332-56947531; plus strand). Cytogenetic location: 16q13.
Variant type: single nucleotide variant.
Coding change: c.2972T>C on transcript NM_001126108.2 (MANE Select); coding-DNA position 2972, T replaced by C.
Protein change: p.Met991Thr; replaces methionine 991 with threonine.
Molecular consequence: missense variant.
Genome position (GRCh38, 1-based): chr16:56,913,311, T>C. VCF-style: chr16-56913311-T-C. GRCh37 (hg19) VCF-style: chr16-56947223-T-C.
Other names: c.2999T>C, p.Met1000Thr (NM_000339.3); c.2996T>C, p.Met999Thr (NM_001126107.2); short protein forms M999T, M1000T, M991T.
Identifiers: ClinVar variation 887671 (VCV000887671.4), dbSNP rs1210754569, ClinGen allele CA396005841.